The following is an entry in ClinVar:

ClinVar aggregate classification (germline): Likely benign (1 of 4 stars; one submission).

Submission:

GeneDx
Classification: Likely benign. Last evaluated: 2018-03-20. Review status: criteria provided, single submitter. Criteria: GeneDx Variant Classification (06012015). Collection method: clinical testing. Allele origin: germline. Affected: yes.
Comment: This variant is considered likely benign or benign based on one or more of the following criteria: it is a conservative change, it occurs at a poorly conserved position in the protein, it is predicted to be benign by multiple in silico algorithms, and/or has population frequency not consistent with disease.

NM_031407.7(HUWE1):c.2050-8C>T

Gene: HUWE1 (HECT, UBA and WWE domain containing E3 ubiquitin protein ligase 1; minus strand). Cytogenetic location: Xp11.22.
Variant type: single nucleotide variant.
Coding change: c.2050-8C>T on transcript NM_031407.7 (MANE Select); 8 bases into the intron before coding-DNA position 2050, C replaced by T.
Molecular consequence: intron variant.
Genome position (GRCh38, 1-based): chrX:53,614,753, G>A on the plus strand (C>T on the coding strand, the complement: HUWE1 is on the minus strand). VCF-style: chrX-53614753-G-A. GRCh37 (hg19) VCF-style: chrX-53641714-G-A.
Identifiers: ClinVar variation 680392 (VCV000680392.1), dbSNP rs1603105426, ClinGen allele CA915951092.
Genomic context (GRCh38, chrX:53,614,753, plus strand): 5'-TTCTGACAGATGTATTTGGGGTCCCTTCCAAGATTACAGATTTCTTCAAGTAACTGAAAG[G>A]CACAGGAAATAAGATTACTTATTAGTAATCATGGAATGGGGAGGAGGAGACAGCTAACAT-3'